The following is an entry in ClinVar:

NM_130837.3(OPA1):c.1382_1383del (p.Val461fs)

Gene: OPA1 (OPA1 mitochondrial dynamin like GTPase; plus strand). Cytogenetic location: 3q29.
Variant type: Microsatellite.
Coding change: c.1382_1383del on transcript NM_130837.3 (MANE Select); coding-DNA positions 1382 to 1383, 2 bases deleted (TG; older notation c.1382_1383delTG).
Protein change: p.Val461fs; shifts the reading frame from valine 461.
Molecular consequence: frameshift variant.
Genome position (GRCh38, 1-based): chr3:193,643,532-193,643,533, TG deleted; deleting any 2 consecutive bases within chr3:193,643,530-193,643,533 gives the same sequence; the c. name uses the placement nearest the transcript's 3' end. VCF-style (leftmost placement, unchanged base first): chr3-193643529-CTG-C. GRCh37 (hg19) VCF-style: chr3-193361318-CTG-C.
Other names: c.848_849del, p.Val283fs (NM_001354663.2); c.845_846del, p.Val282fs (NM_001354664.2); c.1217_1218del, p.Val406fs (NM_015560.3); c.1109_1110del, p.Val370fs (NM_130831.3); c.1163_1164del, p.Val388fs (NM_130832.3); c.1220_1221del, p.Val407fs (NM_130833.3); c.1271_1272del, p.Val424fs (NM_130834.3); c.1274_1275del, p.Val425fs (NM_130835.3); and 1 more; short protein forms V283fs, V388fs, V461fs, V443fs, V407fs, V424fs, V282fs, V370fs.
Identifiers: ClinVar variation 1452976 (VCV001452976.6), dbSNP rs2109044278, ClinGen allele CA2580616036.
Genomic context (GRCh38, chr3:193,643,529, plus strand): 5'-TTATTTTATTCTTATTGTGTGAAGCATTTATAATGACATTTAAAACCTTTTTCTTTAAGA[CTG>C]TGACATCAGGCATGGCTCCTGACACAAAGGAAACTATTTTCAGTATCAGCAAAGCTTACA-3'

ClinVar aggregate classification (germline): Pathogenic (1 of 4 stars; one submission).

Submission:

Labcorp Genetics (formerly Invitae), Labcorp
Classification: Pathogenic. Last evaluated: 2024-03-16. Review status: criteria provided, single submitter. Criteria: Invitae Variant Classification Sherloc (09022015). Collection method: clinical testing. Allele origin: germline.
Comment: This sequence change creates a premature translational stop signal (p.Val406Aspfs*7) in the OPA1 gene. It is expected to result in an absent or disrupted protein product. Loss-of-function variants in OPA1 are known to be pathogenic (PMID: 11440988, 20157015, 20952381, 25012220). This variant is not present in population databases (gnomAD no frequency). This variant has not been reported in the literature in individuals affected with OPA1-related conditions. For these reasons, this variant has been classified as Pathogenic.

Literature cited by the submitters: PubMed 11440988; PubMed 20157015; PubMed 20952381; PubMed 25012220.